The following is an entry in ClinVar:

ClinVar aggregate classification (germline): Likely benign (1 of 4 stars; one submission).

Submission:

CeGaT Center for Human Genetics Tuebingen
Classification: Likely benign. Last evaluated: 2026-03-01. Review status: criteria provided, single submitter. Criteria: CeGaT Center For Human Genetics Tuebingen Variant Classification Criteria Version 2. Collection method: clinical testing. Allele origin: germline. Affected: yes. Observed: 1 variant allele.
Comment: HSPB1: BP4, BP7

NM_001540.5(HSPB1):c.522G>A (p.Thr174=)

Gene: HSPB1 (heat shock protein family B (small) member 1; plus strand). Cytogenetic location: 7q11.23.
Variant type: single nucleotide variant.
Coding change: c.522G>A on transcript NM_001540.5 (MANE Select); coding-DNA position 522, G replaced by A.
Protein change: p.Thr174=; no amino-acid change (threonine 174 retained).
Molecular consequence: synonymous variant.
Genome position (GRCh38, 1-based): chr7:76,304,077, G>A. VCF-style: chr7-76304077-G-A. GRCh37 (hg19) VCF-style: chr7-75933394-G-A.
Identifiers: ClinVar variation 4822011 (VCV004822011.4).